The following is an entry in ClinVar:

NM_000264.5(PTCH1):c.344G>A (p.Gly115Glu)

Gene: PTCH1 (patched 1; minus strand). Cytogenetic location: 9q22.32.
Variant type: single nucleotide variant.
Coding change: c.344G>A on transcript NM_000264.5 (MANE Select); coding-DNA position 344, G replaced by A.
Protein change: p.Gly115Glu; replaces glycine 115 with glutamic acid.
Molecular consequence: missense variant. On other transcripts: 5 prime UTR variant (4), non-coding transcript variant (1).
Genome position (GRCh38, 1-based): chr9:95,506,457, C>T on the plus strand (G>A on the coding strand, the complement: PTCH1 is on the minus strand). VCF-style: chr9-95506457-C-T. GRCh37 (hg19) VCF-style: chr9-98268739-C-T.
Other names: c.146G>A, p.Gly49Glu (NM_001083602.3, NM_001354919.2); c.341G>A, p.Gly114Glu (NM_001083603.3); c.-110G>A (NM_001083604.3, NM_001083605.3, NM_001083606.3 and 1 more transcripts); c.344G>A, p.Gly115Glu (NM_001354918.2); short protein forms G114E, G115E, G49E.
Identifiers: ClinVar variation 1418594 (VCV001418594.6), dbSNP rs544052043, ClinGen allele CA374120236.
Genomic context (GRCh38, chr9:95,506,457, plus strand): 5'-GCGCTCTTACCTTCCACCCACAGCTCCTCCACGTTGGTCTCGAGGTTCGCTGCTTTTAAT[C>T]CCACCGCGAAGGCCCCAAATATGAGGAGGCCCACAACCAAGAACTTGCCGCAGTTTTTTT-3'
Protein context (NP_000255.2, residues 105-125): GLLIFGAFAV[Gly115Glu]LKAANLETNV

ClinVar aggregate classification (germline): Uncertain significance (1 of 4 stars; one submission).

Conditions:
Gorlin syndrome. Also called: Nevoid Basal Cell Carcinoma Syndrome; Basal cell nevus syndrome. Identifiers: Orphanet 377, MedGen C0004779, MONDO:0007187.

gnomAD v4.1: 1 of 1,613,202 alleles (0.000062%); highest among the groups gnomAD compares: Non-Finnish European, 0.000085%; no homozygotes.

Submission:

Labcorp Genetics (formerly Invitae), Labcorp
Classification: Uncertain significance for Gorlin syndrome. Last evaluated: 2021-10-01. Review status: criteria provided, single submitter. Criteria: Invitae Variant Classification Sherloc (09022015). Collection method: clinical testing. Allele origin: germline.
Comment: In summary, the available evidence is currently insufficient to determine the role of this variant in disease. Therefore, it has been classified as a Variant of Uncertain Significance. Advanced modeling of protein sequence and biophysical properties (such as structural, functional, and spatial information, amino acid conservation, physicochemical variation, residue mobility, and thermodynamic stability) performed at Invitae indicates that this missense variant is expected to disrupt PTCH1 protein function. This variant has not been reported in the literature in individuals affected with PTCH1-related conditions. This variant is not present in population databases (ExAC no frequency). This sequence change replaces glycine with glutamic acid at codon 115 of the PTCH1 protein (p.Gly115Glu). The glycine residue is moderately conserved and there is a moderate physicochemical difference between glycine and glutamic acid.